The following is an entry in ClinVar:

ClinVar aggregate classification (germline): Uncertain significance. Review status: criteria provided, multiple submitters, no conflicts (2 of 4 stars). 9 submissions from 7 submitters: Uncertain significance (9). Last evaluated 2025-12-30.

Conditions:
Cardiovascular phenotype. Identifiers: MedGen CN230736.
Cardiomyopathy (CMYO). Also called: Cardiomyopathies. Identifiers: Orphanet 167848, MedGen C0878544, MONDO:0004994, HP:0001638. Inheritance: Various modes of inheritance.
Cardiomyopathy, familial restrictive, 3. Identifiers: Orphanet 75249, MedGen C2676271, MONDO:0012900, OMIM 612422.
Dilated cardiomyopathy 1D. Identifiers: Orphanet 154, Orphanet 54260, MedGen C1832243, MONDO:0011095, OMIM 601494.
Hypertrophic cardiomyopathy 2. Also called: TNNT2-Related Familial Hypertrophic Cardiomyopathy. Identifiers: MedGen C1861864, MONDO:0007266, OMIM 115195.

Allele frequency attached by ClinVar (database versions not stated): TOPMed 0.00002; gnomAD 0.00003 and 0.00004; ESP Exome Variant Server 0.00008.
gnomAD v4.1: 58 of 1,614,022 alleles (0.0036%); highest among the groups gnomAD compares: Non-Finnish European, 0.0047%; no homozygotes.

Submissions (9):

GeneDx
Classification: Uncertain significance. Last evaluated: 2025-12-30. Review status: criteria provided, single submitter. Criteria: GeneDx Variant Classification Process June 2021. Collection method: clinical testing. Allele origin: germline.
Comment: Reported in association with HCM, but detailed clinical information was not provided (PMID: 37652022); Not observed at significant frequency in large population cohorts (gnomAD); In silico analysis supports that this missense variant has a deleterious effect on protein structure/function; This variant is associated with the following publications: (PMID: 37652022)

Labcorp Genetics (formerly Invitae), Labcorp
Classification: Uncertain significance for Cardiomyopathy, familial restrictive, 3; Hypertrophic cardiomyopathy 2; Dilated cardiomyopathy 1D. Last evaluated: 2025-11-28. Review status: criteria provided, single submitter. Criteria: Invitae Variant Classification Sherloc (09022015). Collection method: clinical testing. Allele origin: germline.
Comment: This sequence change replaces leucine, which is neutral and non-polar, with proline, which is neutral and non-polar, at codon 250 of the TNNT2 protein (p.Leu250Pro). This variant is present in population databases (rs376037051, gnomAD 0.0009%). This missense change has been observed in individual(s) with clinical features of TNNT2-related conditions (internal data). ClinVar contains an entry for this variant (Variation ID: 404398). Invitae Evidence Modeling of protein sequence and biophysical properties (such as structural, functional, and spatial information, amino acid conservation, physicochemical variation, residue mobility, and thermodynamic stability) indicates that this missense variant is not expected to disrupt TNNT2 protein function with a negative predictive value of 80%. In summary, the available evidence is currently insufficient to determine the role of this variant in disease. Therefore, it has been classified as a Variant of Uncertain Significance.

Ambry Genetics
Classification: Uncertain significance for Cardiovascular phenotype. Last evaluated: 2025-07-28. Review status: criteria provided, single submitter. Criteria: Ambry Variant Classification Scheme 2023. Collection method: clinical testing. Allele origin: germline.
Comment: The p.L250P variant (also known as c.749T>C), located in coding exon 13 of the TNNT2 gene, results from a T to C substitution at nucleotide position 749. The leucine at codon 250 is replaced by proline, an amino acid with similar properties. This variant (referred to as c.779T>C, p.L260P) was reported in individual(s) with features consistent with hypertrophic cardiomyopathy (McGurk KA et al. Am J Hum Genet. 2023 Sep;110(9):1482-1495). This amino acid position is well conserved in available vertebrate species. In addition, this alteration is predicted to be deleterious by in silico analysis. Based on the available evidence, the clinical significance of this variant remains unclear.

Color Diagnostics, LLC DBA Color Health
Classification: Uncertain significance for Cardiomyopathy. Last evaluated: 2025-05-13. Review status: criteria provided, single submitter. Criteria: ACMG Guidelines, 2015. Collection method: clinical testing. Allele origin: germline.
Comment: This missense variant replaces leucine with proline at codon 250 of the TNNT2 protein. Computational prediction suggests that this variant may have a deleterious impact on protein structure and function. To our knowledge, functional studies have not been reported for this variant. This variant has not been reported in individuals affected with TNNT2-related disorders in the literature. This variant has been identified in 2/251478 chromosomes in the general population by the Genome Aggregation Database (gnomAD). The available evidence is insufficient to determine the role of this variant in disease conclusively. Therefore, this variant is classified as a Variant of Uncertain Significance.

All of Us Research Program, National Institutes of Health
Classification: Uncertain significance for Cardiomyopathy. Last evaluated: 2023-12-18. Review status: criteria provided, single submitter. Criteria: ACMG Guidelines, 2015. Collection method: clinical testing. Allele origin: germline. Inheritance: Autosomal dominant inheritance. Observed: 9 variant alleles, 9 heterozygotes.
Comment: This missense variant replaces leucine with proline at codon 250 of the TNNT2 protein. Computational prediction suggests that this variant may have deleterious impact on protein structure and function (internally defined REVEL score threshold >= 0.7, PMID: 27666373). To our knowledge, functional studies have not been reported for this variant. This variant has not been reported in individuals affected with TNNT2-related disorders in the literature. This variant has been identified in 2/251478 chromosomes in the general population by the Genome Aggregation Database (gnomAD). The available evidence is insufficient to determine the role of this variant in disease conclusively. Therefore, this variant is classified as a Variant of Uncertain Significance.

This study involves interpretation of variants in research participants for the purpose of population health screening. Participant phenotype was not available at the time of variant classification. Additional details can be found in publication PMID: 35346344, PMCID: PMC8962531

Genome-Nilou Lab
Classification: Uncertain significance for Dilated cardiomyopathy 1D. Last evaluated: 2023-04-11. Review status: criteria provided, single submitter. Criteria: ACMG Guidelines, 2015. Collection method: clinical testing. Allele origin: germline. Affected: no.

Genome-Nilou Lab
Classification: Uncertain significance for Cardiomyopathy, familial restrictive, 3. Last evaluated: 2023-04-11. Review status: criteria provided, single submitter. Criteria: ACMG Guidelines, 2015. Collection method: clinical testing. Allele origin: germline. Affected: no.

Genome-Nilou Lab
Classification: Uncertain significance for Hypertrophic cardiomyopathy 2. Last evaluated: 2023-04-11. Review status: criteria provided, single submitter. Criteria: ACMG Guidelines, 2015. Collection method: clinical testing. Allele origin: germline. Affected: no.

Blueprint Genetics
Classification: Uncertain significance. Last evaluated: 2021-09-21. Review status: criteria provided, single submitter. Criteria: ACMG Guidelines, 2015. Collection method: clinical testing. Allele origin: germline.

Literature cited by the submitters: PubMed 37652022 (cited by Ambry Genetics).

NM_001276345.2(TNNT2):c.779T>C (p.Leu260Pro)

Gene: TNNT2 (troponin T2, cardiac type; minus strand). Cytogenetic location: 1q32.1.
Variant type: single nucleotide variant.
Coding change: c.779T>C on transcript NM_001276345.2 (MANE Select); coding-DNA position 779, T replaced by C.
Protein change: p.Leu260Pro; replaces leucine 260 with proline.
Molecular consequence: missense variant.
Genome position (GRCh38, 1-based): chr1:201,361,310, A>G on the plus strand (T>C on the coding strand, the complement: TNNT2 is on the minus strand). VCF-style: chr1-201361310-A-G. GRCh37 (hg19) VCF-style: chr1-201330438-A-G.
Other names: c.770T>C, p.Leu257Pro (NM_000364.4); c.749T>C, p.Leu250Pro (NM_001001430.3, NM_001276347.2); c.740T>C, p.Leu247Pro (NM_001001431.3); c.731T>C, p.Leu244Pro (NM_001001432.3); c.650T>C, p.Leu217Pro (NM_001276346.2); short protein forms L250P, L257P, L217P, L247P, L260P, L244P.
Identifiers: ClinVar variation 404398 (VCV000404398.22), dbSNP rs376037051, ClinGen allele CA089178.
Genomic context (GRCh38, chr1:201,361,310, plus strand): 5'-TGCTGGGCGGGGACAGCATGGCGGCCCACCTCATATTTCTGCTGCTTGAACTTCTCCTGC[A>G]GGTCGAACTTCTCTGCCTCCAAGTTATAGATGCTCTGCCACAGCTCCTTGGCCTTCTCCC-3'
Protein context (NP_001263274.1, residues 250-270): IYNLEAEKFD[Leu260Pro]QEKFKQQKYE